The following is an entry in ClinVar:

ClinVar aggregate classification (germline): Uncertain significance. Review status: reviewed by expert panel (3 of 4 stars). 4 submissions from 4 submitters: Uncertain significance (1). 3 of the submissions do not count toward it. Last evaluated 2025-07-31.

Conditions:
RPGR-related retinopathy. Also called: RPGR retinopathy. Identifiers: MedGen CN305589, MONDO:0100437.
RPGR-related disorder. Also called: RPGR-related condition.
Primary ciliary dyskinesia. Also called: Ciliary dyskinesia. Identifiers: Orphanet 244, MedGen C0008780, MONDO:0016575, HP:0012265.

Submissions (4):

ClinGen X-linked Inherited Retinal Disease Variant Curation Expert Panel, ClinGen
Classification: Uncertain significance for RPGR-related retinopathy. Last evaluated: 2025-07-31. Review status: reviewed by expert panel. Criteria: ClinGen X LinkedIRD ACMG Specifications RPGR V1.0.0. Collection method: curation. Allele origin: germline. Inheritance: X-linked inheritance.
Comment: NM_001034853.2(RPGR):c.934G>T (p.Asp312Tyr) is a missense variant located in the final nucleotide of exon 8, and encodes the substitution of aspartic acid with tyrosine at amino acid 312. The splicing impact predictor SpliceAI gives a score of 0.97, which is above the ClinGen X-linked IRD VCEP recommended threshold of ≥0.2 and predicts a damaging impact on splicing (PP3). This variant is outside the +/- 1,2 dinucleotide and meets the PP3 code due to predicted splicing disruption and another predicted splicing variant in the same donor site, NM_001034853.2(RPGR):c.934+1G>T (PMID: 14564670), was previously classified as a pathogenic variant for RPGR-related retinopathy by ClinGen X-linked IRD VCEP (PS1_Moderate). This variant is absent from hemizygous individuals in gnomAD v4.1.0 (PM2_Supporting). This variant has been reported in at least 1 affected proband (PMID: 14564670), however, the number of individuals meeting the PS4 requirement of some functional vision impairment in affected males by age 30 years, with decreased or absent cone and/or rod electroretinogram responses, was fewer than the requirement of 2 unrelated probands, so PS4_Supporting was not met. In summary, this variant is classified as a variant of uncertain significance for RPGR-related retinopathy based on the ClinGen X-linked Inherited Retinal Disease Expert Panel Specifications to the ACMG/AMP Variant Interpretation Guidelines for RPGR Version 1.0.0: PS1_Moderate, PP3, and PM2_Supporting. (date of approval 05/16/2025).

Blueprint Genetics
Classification: Pathogenic for RPGR-related disorders. Last evaluated: 2024-07-31. Review status: criteria provided, single submitter. Criteria: ACMG Guidelines, 2015. Collection method: clinical testing. Allele origin: germline. Affected: yes. Observed: 5 variant alleles. Not counted in ClinVar's aggregate classification.

Labcorp Genetics (formerly Invitae), Labcorp
Classification: Uncertain significance for Primary ciliary dyskinesia. Last evaluated: 2024-04-10. Review status: criteria provided, single submitter. Criteria: Invitae Variant Classification Sherloc (09022015). Collection method: clinical testing. Allele origin: germline. Not counted in ClinVar's aggregate classification.
Comment: This sequence change replaces aspartic acid, which is acidic and polar, with tyrosine, which is neutral and polar, at codon 312 of the RPGR protein (p.Asp312Tyr). This variant also falls at the last nucleotide of exon 8, which is part of the consensus splice site for this exon. This variant is not present in population databases (gnomAD no frequency). This missense change has been observed in individuals with clinical features of RPGR-related conditions (PMID: 14564670; Invitae). ClinVar contains an entry for this variant (Variation ID: 1802337). An algorithm developed to predict the effect of missense changes on protein structure and function (PolyPhen-2) suggests that this variant is likely to be disruptive. Variants that disrupt the consensus splice site are a relatively common cause of aberrant splicing (PMID: 17576681, 9536098). Algorithms developed to predict the effect of sequence changes on RNA splicing suggest that this variant may disrupt the consensus splice site. In summary, the available evidence is currently insufficient to determine the role of this variant in disease. Therefore, it has been classified as a Variant of Uncertain Significance.

PreventionGenetics, part of Exact Sciences
Classification: Likely pathogenic for RPGR-related condition. Last evaluated: 2024-02-14. Review status: no assertion criteria provided. Collection method: clinical testing. Allele origin: germline. Not counted in ClinVar's aggregate classification.
Comment: The RPGR c.934G>T variant is predicted to result in the amino acid substitution p.Asp312Tyr. In addition to causing an amino acid substitution, this variant affects the last nucleotide of exon 8 and is predicted to abolish the splice site (SpliceAI, Jaganathan et al. 2019. PubMed ID: 30661751). This variant has been reported in the hemizygous state in an individual with retinitis pigmentosa (Sharon et al. 2003. PubMed ID: 14564670). Additionally this variant has been observed in multiple individuals undergoing testing for retinal dystrophies (internal data). This variant has not been reported in a large population database, indicating this variant is rare. An alternate variant at this same nucleotide position (c.934G>A, p.Asp312Asn) has been reported in individuals with retinitis pigmentosa (Sharon et al. 2003. PubMed ID: 14564670; Table S2 in Suga et al. 2022. PubMed ID: 36284460). Given all the evidence, we interpret c.934G>T (p.Asp312Tyr) as likely pathogenic.

Literature cited by the submitters: PubMed 14564670 (cited by Labcorp Genetics (formerly Invitae), Labcorp); PubMed 17576681 (cited by Labcorp Genetics (formerly Invitae), Labcorp); PubMed 9536098 (cited by Labcorp Genetics (formerly Invitae), Labcorp).

NM_001034853.2(RPGR):c.934G>T (p.Asp312Tyr)

Gene: RPGR (retinitis pigmentosa GTPase regulator; minus strand). Cytogenetic location: Xp11.4.
Variant type: single nucleotide variant.
Coding change: c.934G>T on transcript NM_001034853.2 (MANE Select); coding-DNA position 934, G replaced by T.
Protein change: p.Asp312Tyr; replaces aspartic acid 312 with tyrosine.
Molecular consequence: missense variant. On other transcripts: non-coding transcript variant (5).
Genome position (GRCh38, 1-based): chrX:38,304,635, C>A on the plus strand (G>T on the coding strand, the complement: RPGR is on the minus strand). VCF-style: chrX-38304635-C-A. GRCh37 (hg19) VCF-style: chrX-38163888-C-A.
Other names: NM_001034853.2(RPGR):c.934G>T; p.Asp312Tyr; c.934G>T, p.Asp312Tyr (NM_000328.3, NM_001367246.1, NM_001367247.1 and 1 more transcripts); c.931G>T, p.Asp311Tyr (NM_001367245.1, NM_001367249.1, NM_001367250.1); c.964G>T, p.Asp322Tyr (NM_001367248.1); short protein forms D311Y, D312Y, D322Y.
Identifiers: ClinVar variation 1802337 (VCV001802337.11), dbSNP rs2519846634, ClinGen allele CA412741113.